The following is an entry in ClinVar:

NM_000261.2(MYOC):c.1028C>A (p.Thr343Asn)

Gene: MYOC (myocilin; minus strand). Cytogenetic location: 1q24.3.
Variant type: single nucleotide variant.
Coding change: c.1028C>A on transcript NM_000261.2 (MANE Select); coding-DNA position 1028, C replaced by A.
Protein change: p.Thr343Asn; replaces threonine 343 with asparagine.
Molecular consequence: missense variant.
Genome position (GRCh38, 1-based): chr1:171,636,412, G>T on the plus strand (C>A on the coding strand, the complement: MYOC is on the minus strand). VCF-style: chr1-171636412-G-T. GRCh37 (hg19) VCF-style: chr1-171605552-G-T.
Other names: NM_000261.2:c.1028C>A; short protein forms T343N.
Identifiers: ClinVar variation 2570623 (VCV002570623.2), dbSNP rs1470777036, ClinGen allele CA343725024.

ClinVar aggregate classification (germline): Uncertain significance (3 of 4 stars; one submission).

Conditions:
Open-angle glaucoma. Identifiers: MedGen C0017612, MONDO:0005338, HP:0012108.

Submission:

ClinGen Glaucoma Variant Curation Expert Panel
Classification: Uncertain significance for Open-angle glaucoma. Last evaluated: 2026-01-12. Review status: reviewed by expert panel. Criteria: ClinGen Glaucoma ACMG Specifications V2.0.0 Approved. Collection method: curation. Allele origin: germline. Inheritance: Autosomal dominant inheritance.
Comment: The c.1028C>A variant in MYOC is a missense variant predicted to cause substitution of Threonine by Asparagine at amino acid 343 (p.Thr343Asn). This variant was not found in any genetic ancestry group of gnomAD (v4.1.0), meeting the ≤ 0.0001 threshold set for PM2_Supporting in a genetic ancestry group of at least 10,000 alleles. The REVEL score = 0.32, which was neither above nor below the thresholds for PP3 (≥ 0.644) or BP4 (≤ 0.290), predicting a damaging or benign impact on MYOC function. There was no functional evidence predicting a damaging or benign impact of this variant on MYOC function. Only 1 proband with primary open angle glaucoma had been reported (pers. comm. A Hewitt), not meeting the ≥ 2 probands threshold required to meet PS4_Supporting. In summary, this variant met the criteria to receive a score of 1 and to be classified as a variant of uncertain significance (uncertain significance classification range -1 to 5, adapted from PMID: 32720330) for primary open angle glaucoma based on the ACMG/AMP criteria met, as specified by the ClinGen Glaucoma VCEP (v2.0.0, 5 Dec 2024): PM2_Supporting.